The following is an entry in ClinVar:

ClinVar aggregate classification (germline): Uncertain significance (1 of 4 stars; one submission).

Conditions:
RYR1-related disorder. Also called: RYR1-related condition; RYR1-related disorders. Identifiers: MedGen CN239331.

gnomAD v4.1: 2 of 1,502,540 alleles (0.00013%); highest among the groups gnomAD compares: Admixed American, 0.0042%; no homozygotes.

Submission:

Labcorp Genetics (formerly Invitae), Labcorp
Classification: Uncertain significance for RYR1-related disorder. Last evaluated: 2024-08-15. Review status: criteria provided, single submitter. Criteria: Invitae Variant Classification Sherloc (09022015). Collection method: clinical testing. Allele origin: germline.
Comment: This sequence change replaces glutamic acid, which is acidic and polar, with glycine, which is neutral and non-polar, at codon 4378 of the RYR1 protein (p.Glu4378Gly). This variant is not present in population databases (gnomAD no frequency). This variant has not been reported in the literature in individuals affected with RYR1-related conditions. Invitae Evidence Modeling of protein sequence and biophysical properties (such as structural, functional, and spatial information, amino acid conservation, physicochemical variation, residue mobility, and thermodynamic stability) indicates that this missense variant is not expected to disrupt RYR1 protein function with a negative predictive value of 95%. In summary, the available evidence is currently insufficient to determine the role of this variant in disease. Therefore, it has been classified as a Variant of Uncertain Significance.

NM_000540.3(RYR1):c.13133A>G (p.Glu4378Gly)

Gene: RYR1 (ryanodine receptor 1; plus strand). Cytogenetic location: 19q13.2.
Variant type: single nucleotide variant.
Coding change: c.13133A>G on transcript NM_000540.3 (MANE Select); coding-DNA position 13133, A replaced by G.
Protein change: p.Glu4378Gly; replaces glutamic acid 4378 with glycine.
Molecular consequence: missense variant.
Genome position (GRCh38, 1-based): chr19:38,565,467, A>G. VCF-style: chr19-38565467-A-G. GRCh37 (hg19) VCF-style: chr19-39056107-A-G.
Other names: c.13118A>G, p.Glu4373Gly (NM_001042723.2); short protein forms E4378G, E4373G.
Identifiers: ClinVar variation 3632280 (VCV003632280.2).